The following is an entry in ClinVar:

ClinVar aggregate classification (germline): Uncertain significance (1 of 4 stars; one submission).

Conditions:
Hyperekplexia 2 (HKPX2). Identifiers: Orphanet 3197, MedGen C3553291, MONDO:0013828, OMIM 614619.

Submission:

Labcorp Genetics (formerly Invitae), Labcorp
Classification: Uncertain significance for Hyperekplexia 2. Last evaluated: 2021-11-02. Review status: criteria provided, single submitter. Criteria: Invitae Variant Classification Sherloc (09022015). Collection method: clinical testing. Allele origin: germline.
Comment: This variant, c.1380_1382del, results in the deletion of 1 amino acid(s) of the GLRB protein (p.Pro461del), but otherwise preserves the integrity of the reading frame. The frequency data for this variant in the population databases is considered unreliable, as metrics indicate poor data quality at this position in the gnomAD database. This variant has not been reported in the literature in individuals affected with GLRB-related conditions. Experimental studies and prediction algorithms are not available or were not evaluated, and the functional significance of this variant is currently unknown. In summary, the available evidence is currently insufficient to determine the role of this variant in disease. Therefore, it has been classified as a Variant of Uncertain Significance.

NM_000824.5(GLRB):c.1380_1382del (p.Pro461del)

Gene: GLRB (glycine receptor beta; plus strand). Cytogenetic location: 4q32.1.
Variant type: Deletion.
Coding change: c.1380_1382del on transcript NM_000824.5 (MANE Select); coding-DNA positions 1380 to 1382, 3 bases deleted (CCC; older notation c.1380_1382delCCC).
Protein change: p.Pro461del; deletes proline 461.
Molecular consequence: inframe deletion. On other transcripts: 3 prime UTR variant (1).
Genome position (GRCh38, 1-based): chr4:157,170,614-157,170,616, CCC deleted; deleting any 3 consecutive bases within chr4:157,170,612-157,170,616 gives the same sequence; the c. name uses the placement nearest the transcript's 3' end. VCF-style (leftmost placement, unchanged base first): chr4-157170611-TCCC-T. GRCh37 (hg19) VCF-style: chr4-158091763-TCCC-T.
Other names: c.1380_1382del, p.Pro461del (NM_001166060.2); c.*175_*177del (NM_001166061.2); short protein forms P461del.
Identifiers: ClinVar variation 1497062 (VCV001497062.3), dbSNP rs1324660332, ClinGen allele CA555974106.